The following is an entry in ClinVar:

ClinVar aggregate classification (germline): Uncertain significance (1 of 4 stars; one submission).

Conditions:
Inborn genetic diseases. Identifiers: MedGen C0950123, MeSH D030342.

Allele frequency attached by ClinVar (database versions not stated): gnomAD exomes below 0.00001.
gnomAD v4.1: 1 of 1,613,644 alleles (0.000062%); highest among the groups gnomAD compares: Non-Finnish European, 0.000085%; no homozygotes.

Submission:

Ambry Genetics
Classification: Uncertain significance for Inborn genetic diseases. Last evaluated: 2017-01-25. Review status: criteria provided, single submitter. Criteria: Ambry Variant Classification Scheme 2023. Collection method: clinical testing. Allele origin: germline.
Comment: The p.T786I variant (also known as c.2357C>T), located in coding exon 4 of the CHD7 gene, results from a C to T substitution at nucleotide position 2357. The threonine at codon 786 is replaced by isoleucine, an amino acid with similar properties. This amino acid position is highly conserved in available vertebrate species. In addition, the in silico prediction for this alteration is inconclusive. Since supporting evidence is limited at this time, the clinical significance of this alteration remains unclear.

NM_017780.4(CHD7):c.2357C>T (p.Thr786Ile)

Gene: CHD7 (chromodomain helicase DNA binding protein 7; plus strand). Cytogenetic location: 8q12.2.
Variant type: single nucleotide variant.
Coding change: c.2357C>T on transcript NM_017780.4 (MANE Select); coding-DNA position 2357, C replaced by T.
Protein change: p.Thr786Ile; replaces threonine 786 with isoleucine.
Molecular consequence: missense variant. On other transcripts: intron variant (1).
Genome position (GRCh38, 1-based): chr8:60,800,506, C>T. VCF-style: chr8-60800506-C-T. GRCh37 (hg19) VCF-style: chr8-61713065-C-T.
Other names: c.1716+19456C>T (NM_001316690.1); short protein forms T786I.
Identifiers: ClinVar variation 589514 (VCV000589514.5), dbSNP rs1563611998, ClinGen allele CA371300806.